The following is an entry in ClinVar:

NM_001372.4(DNAH9):c.11444G>A (p.Arg3815Gln)

Gene: DNAH9 (dynein axonemal heavy chain 9; plus strand). Cytogenetic location: 17p12.
Variant type: single nucleotide variant.
Coding change: c.11444G>A on transcript NM_001372.4 (MANE Select); coding-DNA position 11444, G replaced by A.
Protein change: p.Arg3815Gln; replaces arginine 3815 with glutamine.
Molecular consequence: missense variant.
Genome position (GRCh38, 1-based): chr17:11,902,756, G>A. VCF-style: chr17-11902756-G-A. GRCh37 (hg19) VCF-style: chr17-11806073-G-A.
Other names: c.380G>A, p.Arg127Gln (NM_004662.2); short protein forms R127Q, R3815Q.
Identifiers: ClinVar variation 1304095 (VCV001304095.7), dbSNP rs145166733, ClinGen allele CA8397841.

ClinVar aggregate classification (germline): Uncertain significance. Review status: criteria provided, multiple submitters, no conflicts (2 of 4 stars). 5 submissions from 5 submitters: Uncertain significance (5). Last evaluated 2024-04-24.

Conditions:
Primary ciliary dyskinesia. Also called: Ciliary dyskinesia. Identifiers: Orphanet 244, MedGen C0008780, MONDO:0016575, HP:0012265.
Ciliary dyskinesia, primary, 40. Also called: CILIARY DYSKINESIA, PRIMARY, 40, WITH OR WITHOUT SITUS INVERSUS. Identifiers: MedGen C4749028, MONDO:0032664, OMIM 618300.

Allele frequency attached by ClinVar (database versions not stated): TOPMed 0.00014; ESP Exome Variant Server 0.00031; ExAC 0.00011; gnomAD 0.00011 and 0.00009; gnomAD exomes 0.00013.
gnomAD v4.1: 226 of 1,613,372 alleles (0.014%); highest among the groups gnomAD compares: South Asian, 0.026%; no homozygotes.

Submissions (5):

Molecular Genetics McLendon Clinical Laboratories, University of North Carolina at Chapel Hill
Classification: Uncertain significance for Primary ciliary dyskinesia. Last evaluated: 2024-04-24. Review status: criteria provided, single submitter. Criteria: ACMG Guidelines, 2015. Collection method: clinical testing. Allele origin: germline.

Labcorp Genetics (formerly Invitae), Labcorp
Classification: Uncertain significance. Last evaluated: 2024-01-10. Review status: criteria provided, single submitter. Criteria: Invitae Variant Classification Sherloc (09022015). Collection method: clinical testing. Allele origin: germline.
Comment: This sequence change replaces arginine, which is basic and polar, with glutamine, which is neutral and polar, at codon 3815 of the DNAH9 protein (p.Arg3815Gln). This variant is present in population databases (rs145166733, gnomAD 0.03%). This variant has not been reported in the literature in individuals affected with DNAH9-related conditions. ClinVar contains an entry for this variant (Variation ID: 1304095). Advanced modeling of protein sequence and biophysical properties (such as structural, functional, and spatial information, amino acid conservation, physicochemical variation, residue mobility, and thermodynamic stability) performed at Invitae indicates that this missense variant is not expected to disrupt DNAH9 protein function with a negative predictive value of 80%. In summary, the available evidence is currently insufficient to determine the role of this variant in disease. Therefore, it has been classified as a Variant of Uncertain Significance.

Johns Hopkins Genomics, Johns Hopkins University
Classification: Uncertain significance for Ciliary dyskinesia, primary, 40. Last evaluated: 2022-08-31. Review status: criteria provided, single submitter. Criteria: ACMG Guidelines, 2015. Collection method: clinical testing. Allele origin: germline.
Comment: This DNAH9 missense variant (rs145166733) is rare (<0.1%) in a large population dataset (gnomAD v2.1.1: 35/281914 total alleles; 0.0124%; no homozygotes). It has been reported in ClinVar (Variation ID 1304095), but has not been reported in the literature, to our knowledge. Of two bioinformatics tools queried, one predicts that the substitution would be damaging, while the other predicts that it would be tolerated. While the arginine residue at this position is evolutionarily conserved across many of the species assessed, two of the species have glutamine at this position. We consider the clinical significance of c.11444G>A in DNAH9 to be uncertain at this time.

GeneDx
Classification: Uncertain significance. Last evaluated: 2020-07-20. Review status: criteria provided, single submitter. Criteria: GeneDx Variant Classification Process June 2021. Collection method: clinical testing. Allele origin: germline. Affected: yes.
Comment: In silico analysis supports that this missense variant does not alter protein structure/function; Has not been previously published as pathogenic or benign to our knowledge

Breakthrough Genomics
Classification: Uncertain significance. Review status: criteria provided, single submitter. Criteria: ACMG Guidelines, 2015. Collection method: not provided. Allele origin: germline. Inheritance: Autosomal recessive inheritance. Affected: yes.